The following is an entry in ClinVar:

NM_020921.4(NIN):c.4469A>T (p.Glu1490Val)

Gene: NIN (ninein; minus strand). Cytogenetic location: 14q22.1.
Variant type: single nucleotide variant.
Coding change: c.4469A>T on transcript NM_020921.4 (MANE Select); coding-DNA position 4469, A replaced by T.
Protein change: p.Glu1490Val; replaces glutamic acid 1490 with valine.
Molecular consequence: missense variant. On other transcripts: intron variant (1).
Genome position (GRCh38, 1-based): chr14:50,756,561, T>A on the plus strand (A>T on the coding strand, the complement: NIN is on the minus strand). VCF-style: chr14-50756561-T-A. GRCh37 (hg19) VCF-style: chr14-51223279-T-A.
Other names: c.4469A>T, p.Glu1490Val (NM_182944.3, NM_182946.2); c.2400-1694A>T (NM_016350.5); short protein forms E1490V.
Identifiers: ClinVar variation 2869127 (VCV002869127.3), dbSNP rs1262913035, ClinGen allele CA389692386.
Genomic context (GRCh38, chr14:50,756,561, plus strand): 5'-TCAACTTTTTGCTGCATCTCACTGCACGTGATCTGCAAGTCATGCATCATTGCCTTCAGC[T>A]CTTCCTCCTTTTCTCCGTGAGAAAGTACATCTTTTTGCTTAACTAAAATAGTGACTCTCT-3'
Protein context (NP_065972.4, residues 1480-1500): DVLSHGEKEE[Glu1490Val]LKAMMHDLQI

ClinVar aggregate classification (germline): Uncertain significance (1 of 4 stars; one submission).

gnomAD v4.1: 1 of 1,613,302 alleles (0.000062%); no homozygotes.

Submission:

Labcorp Genetics (formerly Invitae), Labcorp
Classification: Uncertain significance. Last evaluated: 2023-02-03. Review status: criteria provided, single submitter. Criteria: Invitae Variant Classification Sherloc (09022015). Collection method: clinical testing. Allele origin: germline.
Comment: This variant has not been reported in the literature in individuals affected with NIN-related conditions. Algorithms developed to predict the effect of missense changes on protein structure and function are either unavailable or do not agree on the potential impact of this missense change (SIFT: "Tolerated"; PolyPhen-2: "Possibly Damaging"; Align-GVGD: "Class C0"). In summary, the available evidence is currently insufficient to determine the role of this variant in disease. Therefore, it has been classified as a Variant of Uncertain Significance. This sequence change replaces glutamic acid, which is acidic and polar, with valine, which is neutral and non-polar, at codon 1490 of the NIN protein (p.Glu1490Val). This variant is not present in population databases (gnomAD no frequency).